The following is an entry in ClinVar:

NM_006739.4(MCM5):c.553C>A (p.Arg185Ser)

Gene: MCM5 (minichromosome maintenance complex component 5; plus strand). Cytogenetic location: 22q12.3.
Variant type: single nucleotide variant.
Coding change: c.553C>A on transcript NM_006739.4 (MANE Select); coding-DNA position 553, C replaced by A.
Protein change: p.Arg185Ser; replaces arginine 185 with serine.
Molecular consequence: missense variant.
Genome position (GRCh38, 1-based): chr22:35,406,682, C>A. VCF-style: chr22-35406682-C-A. GRCh37 (hg19) VCF-style: chr22-35802675-C-A.
Other names: short protein forms R185S.
Identifiers: ClinVar variation 1898530 (VCV001898530.5), dbSNP rs142715814, ClinGen allele CA10205069.

ClinVar aggregate classification (germline): Uncertain significance (1 of 4 stars; one submission).

gnomAD v4.1: 69 of 1,610,910 alleles (0.0043%); highest among the groups gnomAD compares: South Asian, 0.051%; no homozygotes.

Submission:

Labcorp Genetics (formerly Invitae), Labcorp
Classification: Uncertain significance. Last evaluated: 2024-07-22. Review status: criteria provided, single submitter. Criteria: Invitae Variant Classification Sherloc (09022015). Collection method: clinical testing. Allele origin: germline.
Comment: This sequence change replaces arginine, which is basic and polar, with serine, which is neutral and polar, at codon 185 of the MCM5 protein (p.Arg185Ser). This variant is present in population databases (rs142715814, gnomAD 0.05%). This variant has not been reported in the literature in individuals affected with MCM5-related conditions. ClinVar contains an entry for this variant (Variation ID: 1898530). Advanced modeling of protein sequence and biophysical properties (such as structural, functional, and spatial information, amino acid conservation, physicochemical variation, residue mobility, and thermodynamic stability) performed at Invitae indicates that this missense variant is not expected to disrupt MCM5 protein function with a negative predictive value of 80%. In summary, the available evidence is currently insufficient to determine the role of this variant in disease. Therefore, it has been classified as a Variant of Uncertain Significance.